The following is an entry in ClinVar:

NM_000064.4(C3):c.2815A>G (p.Asn939Asp)

Gene: C3 (complement C3; minus strand). Cytogenetic location: 19p13.3.
Variant type: single nucleotide variant.
Coding change: c.2815A>G on transcript NM_000064.4 (MANE Select); coding-DNA position 2815, A replaced by G.
Protein change: p.Asn939Asp; replaces asparagine 939 with aspartic acid.
Molecular consequence: missense variant.
Genome position (GRCh38, 1-based): chr19:6,696,641, T>C on the plus strand (A>G on the coding strand, the complement: C3 is on the minus strand). VCF-style: chr19-6696641-T-C. GRCh37 (hg19) VCF-style: chr19-6696652-T-C.
Other names: short protein forms N939D.
Identifiers: ClinVar variation 4767449 (VCV004767449.1).

ClinVar aggregate classification (germline): Uncertain significance (1 of 4 stars; one submission).

gnomAD v4.1: 5 of 1,614,092 alleles (0.00031%); highest among the groups gnomAD compares: Non-Finnish European, 0.00034%; no homozygotes.

Submission:

Labcorp Genetics (formerly Invitae), Labcorp
Classification: Uncertain significance. Last evaluated: 2025-11-19. Review status: criteria provided, single submitter. Criteria: Invitae Variant Classification Sherloc (09022015). Collection method: clinical testing. Allele origin: germline.
Comment: This sequence change replaces asparagine, which is neutral and polar, with aspartic acid, which is acidic and polar, at codon 939 of the C3 protein (p.Asn939Asp). This variant is not present in population databases (gnomAD no frequency). This variant has not been reported in the literature in individuals affected with C3-related conditions. Invitae Evidence Modeling of protein sequence and biophysical properties (such as structural, functional, and spatial information, amino acid conservation, physicochemical variation, residue mobility, and thermodynamic stability) indicates that this missense variant is not expected to disrupt C3 protein function with a negative predictive value of 80%. In summary, the available evidence is currently insufficient to determine the role of this variant in disease. Therefore, it has been classified as a Variant of Uncertain Significance.